The following is an entry in ClinVar:

NM_001082971.2(DDC):c.1420G>A (p.Val474Met)

Gene: DDC (dopa decarboxylase; minus strand). Cytogenetic location: 7p12.2.
Variant type: single nucleotide variant.
Coding change: c.1420G>A on transcript NM_001082971.2 (MANE Select); coding-DNA position 1420, G replaced by A.
Protein change: p.Val474Met; replaces valine 474 with methionine.
Molecular consequence: missense variant.
Genome position (GRCh38, 1-based): chr7:50,463,254, C>T on the plus strand (G>A on the coding strand, the complement: DDC is on the minus strand). VCF-style: chr7-50463254-C-T. GRCh37 (hg19) VCF-style: chr7-50530952-C-T.
Other names: c.1420G>A, p.Val474Met (NM_000790.4); c.1306G>A, p.Val436Met (NM_001242886.2); c.1276G>A, p.Val426Met (NM_001242887.2); c.1186G>A, p.Val396Met (NM_001242888.2); c.1141G>A, p.Val381Met (NM_001242889.2); short protein forms V396M, V436M, V381M, V474M, V426M.
Identifiers: ClinVar variation 2191877 (VCV002191877.1), dbSNP rs762954873, ClinGen allele CA4261968.

ClinVar aggregate classification (germline): Uncertain significance (1 of 4 stars; one submission).

Conditions:
Deficiency of aromatic-L-amino-acid decarboxylase. Also called: Aromatic amino acid decarboxylase deficiency; AADC DEFICIENCY; DDC DEFICIENCY; DOPA DECARBOXYLASE DEFICIENCY; Aromatic L-Amino Acid Decarboxylase Deficiency. Identifiers: Orphanet 35708, MedGen C1291564, MONDO:0012084, OMIM 608643.

Allele frequency attached by ClinVar (database versions not stated): gnomAD 0.00001; TOPMed 0.00002; ExAC 0.00003.
gnomAD v4.1: 11 of 1,613,592 alleles (0.00068%); highest among the groups gnomAD compares: East Asian, 0.0045%; no homozygotes.

Submission:

Labcorp Genetics (formerly Invitae), Labcorp
Classification: Uncertain significance for Deficiency of aromatic-L-amino-acid decarboxylase. Last evaluated: 2022-07-18. Review status: criteria provided, single submitter. Criteria: Invitae Variant Classification Sherloc (09022015). Collection method: clinical testing. Allele origin: germline.
Comment: This sequence change replaces valine, which is neutral and non-polar, with methionine, which is neutral and non-polar, at codon 474 of the DDC protein (p.Val474Met). This variant is present in population databases (rs762954873, gnomAD 0.02%). This variant has not been reported in the literature in individuals affected with DDC-related conditions. Algorithms developed to predict the effect of missense changes on protein structure and function (SIFT, PolyPhen-2, Align-GVGD) all suggest that this variant is likely to be tolerated. In summary, the available evidence is currently insufficient to determine the role of this variant in disease. Therefore, it has been classified as a Variant of Uncertain Significance.